The following is an entry in ClinVar:

ClinVar aggregate classification (germline): Likely benign. Review status: criteria provided, multiple submitters, no conflicts (2 of 4 stars). 2 submissions from 2 submitters: Likely benign (2). Last evaluated 2023-12-15.

Conditions:
Wilson disease (WND). Also called: Wilson's disease. Identifiers: Orphanet 905, MedGen C0019202, MONDO:0010200, OMIM 277900. Disease mechanism: loss of function.

Allele frequency attached by ClinVar (database versions not stated): gnomAD exomes below 0.00001 and 0.00001; TOPMed 0.00005; gnomAD 0.00006.
gnomAD v4.1: 11 of 1,613,836 alleles (0.00068%); highest among the groups gnomAD compares: Admixed American, 0.018%; no homozygotes.

Submissions (2):

Labcorp Genetics (formerly Invitae), Labcorp
Classification: Likely benign for Wilson disease. Last evaluated: 2023-12-15. Review status: criteria provided, single submitter. Criteria: Invitae Variant Classification Sherloc (09022015). Collection method: clinical testing. Allele origin: germline.

All of Us Research Program, National Institutes of Health
Classification: Likely benign for Wilson disease. Last evaluated: 2023-09-17. Review status: criteria provided, single submitter. Criteria: ACMG Guidelines, 2015. Collection method: clinical testing. Allele origin: germline. Inheritance: Autosomal recessive inheritance. Observed: 1 variant allele, 1 heterozygote.
Comment: This study involves interpretation of variants in research participants for the purpose of population health screening. Participant phenotype was not available at the time of variant classification. Additional details can be found in publication PMID: 35346344, PMCID: PMC8962531

NM_000053.4(ATP7B):c.774C>G (p.Thr258=)

Gene: ATP7B (ATPase copper transporting beta; minus strand). Cytogenetic location: 13q14.3.
Variant type: single nucleotide variant.
Coding change: c.774C>G on transcript NM_000053.4 (MANE Select); coding-DNA position 774, C replaced by G.
Protein change: p.Thr258=; no amino-acid change (threonine 258 retained).
Molecular consequence: synonymous variant.
Genome position (GRCh38, 1-based): chr13:51,974,446, G>C on the plus strand (C>G on the coding strand, the complement: ATP7B is on the minus strand). VCF-style: chr13-51974446-G-C. GRCh37 (hg19) VCF-style: chr13-52548582-G-C.
Other names: c.774C>G, p.Thr258= (NM_001005918.3, NM_001243182.2, NM_001330578.2 and 1 more transcripts).
Identifiers: ClinVar variation 1610481 (VCV001610481.9), dbSNP rs1201589034, ClinGen allele CA484025019.
Genomic context (GRCh38, chr13:51,974,446, plus strand): 5'-ATTTTCTTCAATATTCAAGACGCAAGACTTACAATGCATTCCATCTATTCTCAGTTGGAG[G>C]GTGACCACATGGCTTCCTTGGTGCCCCAAGGTCTCAGAATTATTAAAATTCTGGTTAGCA-3'
Protein context (NP_000044.2, residues 248-268): TLGHQGSHVV[Thr258=]LQLRIDGMHC